The following is an entry in ClinVar:

ClinVar aggregate classification (germline): Uncertain significance (1 of 4 stars; one submission).

Conditions:
Cardiomyopathy (CMYO). Also called: Cardiomyopathies. Identifiers: Orphanet 167848, MedGen C0878544, MONDO:0004994, HP:0001638. Inheritance: Various modes of inheritance.

Submission:

Color Diagnostics, LLC DBA Color Health
Classification: Uncertain significance for Cardiomyopathy. Last evaluated: 2023-05-30. Review status: criteria provided, single submitter. Criteria: ACMG Guidelines, 2015. Collection method: clinical testing. Allele origin: germline.
Comment: This missense variant replaces serine with glycine at codon 3136 of the RYR2 protein. To our knowledge, functional studies have not been reported for this variant. This variant has not been reported in individuals affected with RYR2-related disorders in the literature. This variant has not been identified in the general population by the Genome Aggregation Database (gnomAD). The available evidence is insufficient to determine the role of this variant in disease conclusively. Therefore, this variant is classified as a Variant of Uncertain Significance.

NM_001035.3(RYR2):c.9405_9406delinsAG (p.Ser3136Gly)

Gene: RYR2 (ryanodine receptor 2; plus strand). Cytogenetic location: 1q43.
Variant type: Indel.
Coding change: c.9405_9406delinsAG on transcript NM_001035.3 (MANE Select); coding-DNA positions 9405 to 9406, TA replaced by AG.
Protein change: p.Ser3136Gly; replaces serine 3136 with glycine.
Molecular consequence: missense variant.
Genome position (GRCh38, 1-based): chr1:237,702,015-237,702,016, TA replaced by AG. VCF-style: chr1-237702015-TA-AG. GRCh37 (hg19) VCF-style: chr1-237865315-TA-AG.
Other names: short protein forms S3136G.
Identifiers: ClinVar variation 2774362 (VCV002774362.2), dbSNP rs2547374654, ClinGen allele CA2697547745.